The following is an entry in ClinVar:

NM_000875.5(IGF1R):c.3160A>G (p.Met1054Val)

Gene: IGF1R (insulin like growth factor 1 receptor; plus strand). Cytogenetic location: 15q26.3.
Variant type: single nucleotide variant.
Coding change: c.3160A>G on transcript NM_000875.5 (MANE Select); coding-DNA position 3160, A replaced by G.
Protein change: p.Met1054Val; replaces methionine 1054 with valine.
Molecular consequence: missense variant.
Genome position (GRCh38, 1-based): chr15:98,935,027, A>G. VCF-style: chr15-98935027-A-G. GRCh37 (hg19) VCF-style: chr15-99478256-A-G.
Other names: c.3157A>G, p.Met1053Val (NM_001291858.2); short protein forms M1053V, M1054V.
Identifiers: ClinVar variation 1335820 (VCV001335820.2), dbSNP rs2151708106, ClinGen allele CA393658560.

ClinVar aggregate classification (germline): Uncertain significance (1 of 4 stars; one submission).

Submission:

GeneDx
Classification: Uncertain significance. Last evaluated: 2022-01-06. Review status: criteria provided, single submitter. Criteria: GeneDx Variant Classification Process June 2021. Collection method: clinical testing. Allele origin: germline. Affected: yes.
Comment: Not observed at significant frequency in large population cohorts (gnomAD); In silico analysis supports that this missense variant has a deleterious effect on protein structure/function; Has not been previously published as pathogenic or benign to our knowledge